The following is an entry in ClinVar:

ClinVar aggregate classification (germline): Uncertain significance. Review status: criteria provided, multiple submitters, no conflicts (2 of 4 stars). 2 submissions from 2 submitters: Uncertain significance (2). Last evaluated 2024-07-16.

Conditions:
Inborn genetic diseases. Identifiers: MedGen C0950123, MeSH D030342.

Allele frequency attached by ClinVar (database versions not stated): ExAC 0.00001; gnomAD 0.00001; gnomAD exomes 0.00001; TOPMed 0.00001.
gnomAD v4.1: 20 of 1,614,020 alleles (0.0012%); highest among the groups gnomAD compares: Middle Eastern, 0.016%; no homozygotes.

Submissions (2):

Ambry Genetics
Classification: Uncertain significance for Inborn genetic diseases. Last evaluated: 2024-07-16. Review status: criteria provided, single submitter. Criteria: Ambry Variant Classification Scheme 2023. Collection method: clinical testing. Allele origin: germline.

Labcorp Genetics (formerly Invitae), Labcorp
Classification: Uncertain significance. Last evaluated: 2022-07-03. Review status: criteria provided, single submitter. Criteria: Invitae Variant Classification Sherloc (09022015). Collection method: clinical testing. Allele origin: germline.
Comment: This variant is present in population databases (rs748214059, gnomAD 0.009%). This variant has not been reported in the literature in individuals affected with LTBP2-related conditions. Algorithms developed to predict the effect of missense changes on protein structure and function are either unavailable or do not agree on the potential impact of this missense change (SIFT: "Deleterious"; PolyPhen-2: "Possibly Damaging"; Align-GVGD: "Class C0"). In summary, the available evidence is currently insufficient to determine the role of this variant in disease. Therefore, it has been classified as a Variant of Uncertain Significance. This sequence change replaces arginine, which is basic and polar, with glutamine, which is neutral and polar, at codon 1389 of the LTBP2 protein (p.Arg1389Gln).

NM_000428.3(LTBP2):c.4166G>A (p.Arg1389Gln)

Gene: LTBP2 (latent transforming growth factor beta binding protein 2; minus strand). Cytogenetic location: 14q24.3.
Variant type: single nucleotide variant.
Coding change: c.4166G>A on transcript NM_000428.3 (MANE Select); coding-DNA position 4166, G replaced by A.
Protein change: p.Arg1389Gln; replaces arginine 1389 with glutamine.
Molecular consequence: missense variant.
Genome position (GRCh38, 1-based): chr14:74,506,059, C>T on the plus strand (G>A on the coding strand, the complement: LTBP2 is on the minus strand). VCF-style: chr14-74506059-C-T. GRCh37 (hg19) VCF-style: chr14-74972762-C-T.
Other names: c.4166G>A (NM_000428.2); short protein forms R1389Q.
Identifiers: ClinVar variation 1959786 (VCV001959786.5), dbSNP rs748214059, ClinGen allele CA7268860.
Genomic context (GRCh38, chr14:74,506,059, plus strand): 5'-CTCTGTAAACCTCTGAGTCACCATGGATAATGTGTCTCCCAGGCCTCACCTCCAGCCCCC[C>T]GTGGGCGGCAGTGCCCCTCCTGGGCATCGTACTCCTCCAGGTCACTGGCACAGAGGCACA-3'
Protein context (NP_000419.1, residues 1379-1399): YDAQEGHCRP[Arg1389Gln]GAGGQSMSEA